The following is an entry in ClinVar:

ClinVar aggregate classification (germline): Conflicting classifications of pathogenicity. Review status: criteria provided, conflicting classifications (1 of 4 stars). 3 submissions from 3 submitters: Uncertain significance (1); Likely benign (2). Last evaluated 2024-10-24.

Conditions:
Inborn genetic diseases. Identifiers: MedGen C0950123, MeSH D030342.
Intellectual developmental disorder, X-linked 1. Also called: MENTAL RETARDATION, X-LINKED 18; MENTAL RETARDATION, X-LINKED 78; Intellectual disability, X-linked 1; Atkin Flaitz Patil Smith syndrome. Identifiers: Orphanet 777, MedGen C2931498, MONDO:0010656, OMIM 309530.

Allele frequency attached by ClinVar (database versions not stated): TOPMed 0.00002; gnomAD 0.00003 and 0.00001; gnomAD exomes 0.00001.

Submissions (3):

Labcorp Genetics (formerly Invitae), Labcorp
Classification: Likely benign for Intellectual developmental disorder, X-linked 1. Last evaluated: 2024-10-24. Review status: criteria provided, single submitter. Criteria: Invitae Variant Classification Sherloc (09022015). Collection method: clinical testing. Allele origin: germline.

GeneDx
Classification: Likely benign. Last evaluated: 2022-07-21. Review status: criteria provided, single submitter. Criteria: GeneDx Variant Classification Process June 2021. Collection method: clinical testing. Allele origin: germline. Affected: yes.
Comment: See Variant Classification Assertion Criteria.

Ambry Genetics
Classification: Uncertain significance for Inborn genetic diseases. Last evaluated: 2017-07-27. Review status: criteria provided, single submitter. Criteria: Ambry Variant Classification Scheme 2023. Collection method: clinical testing. Allele origin: germline.
Comment: The p.S257N variant (also known as c.770G>A), located in coding exon 3 of the IQSEC2 gene, results from a G to A substitution at nucleotide position 770. The serine at codon 257 is replaced by asparagine, an amino acid with highly similar properties. This amino acid position is not well conserved in available vertebrate species. In addition, this alteration is predicted to be tolerated by in silico analysis. Since supporting evidence is limited at this time, the clinical significance of this alteration remains unclear.

NM_001111125.3(IQSEC2):c.770G>A (p.Ser257Asn)

Gene: IQSEC2 (IQ motif and Sec7 domain ArfGEF 2; minus strand). Cytogenetic location: Xp11.22.
Variant type: single nucleotide variant.
Coding change: c.770G>A on transcript NM_001111125.3 (MANE Select); coding-DNA position 770, G replaced by A.
Protein change: p.Ser257Asn; replaces serine 257 with asparagine.
Molecular consequence: missense variant.
Genome position (GRCh38, 1-based): chrX:53,256,029, C>T on the plus strand (G>A on the coding strand, the complement: IQSEC2 is on the minus strand). VCF-style: chrX-53256029-C-T. GRCh37 (hg19) VCF-style: chrX-53285211-C-T.
Other names: c.155G>A, p.Ser52Asn (NM_015075.2); short protein forms S257N, S52N.
Identifiers: ClinVar variation 546452 (VCV000546452.10), dbSNP rs1470379713, ClinGen allele CA413172310.
Genomic context (GRCh38, chrX:53,256,029, plus strand): 5'-GAGGGGGGCAGCTGGCTCAGCCGGTAGGGGGGTTGGCTCCCAGGACTATCAACCGCTGTG[C>T]TCAGGTCACTGCCTGGGGCATCACCCTCCACACTGTGGGGATGAGATAAGATGAGCCAGG-3'
Protein context (NP_001104595.1, residues 247-267): VEGDAPGSDL[Ser257Asn]TAVDSPGSQP